The following is an entry in ClinVar:

ClinVar aggregate classification (germline): Uncertain significance (1 of 4 stars; one submission).

gnomAD v4.1: 10 of 1,550,414 alleles (0.00064%); highest among the groups gnomAD compares: African/African-American, 0.0014%; no homozygotes.

Submission:

Mayo Clinic Laboratories, Mayo Clinic
Classification: Uncertain significance. Last evaluated: 2025-10-19. Review status: criteria provided, single submitter. Criteria: ACMG Guidelines, 2015. Collection method: clinical testing. Allele origin: germline. Observed: 1 variant allele.
Comment: BP4_moderate

NM_001367624.2(ZNF469):c.8356G>A (p.Glu2786Lys)

Gene: ZNF469 (zinc finger protein 469; plus strand). Cytogenetic location: 16q24.2.
Variant type: single nucleotide variant.
Coding change: c.8356G>A on transcript NM_001367624.2 (MANE Select); coding-DNA position 8356, G replaced by A.
Protein change: p.Glu2786Lys; replaces glutamic acid 2786 with lysine.
Molecular consequence: missense variant.
Genome position (GRCh38, 1-based): chr16:88,435,826, G>A. VCF-style: chr16-88435826-G-A. GRCh37 (hg19) VCF-style: chr16-88502234-G-A.
Other names: p.Glu2786Lys; short protein forms E2786K.
Identifiers: ClinVar variation 4542073 (VCV004542073.1).
Genomic context (GRCh38, chr16:88,435,826, plus strand): 5'-GTGTGCAAAGAGTCTGGGAGCGAGCCTGCGGAGGACAGCAGCAGGGCCCACAGCCGATCA[G>A]AGGAAGGTGTCTGGGAGGAGAACACGCCCCCCTTGGGCCCCCTGGGTTTTCCCGAGACTT-3'
Protein context (NP_001354553.1, residues 2776-2796): EDSSRAHSRS[Glu2786Lys]EGVWEENTPP